The following is an entry in ClinVar:

ClinVar aggregate classification (germline): Uncertain significance (1 of 4 stars; one submission).

Conditions:
Symmetrical dyschromatosis of extremities (DSH). Also called: Dyschromatosis symmetrica hereditaria; RETICULATE ACROPIGMENTATION OF DOHI; DYSCHROMATOSIS SYMMETRICA HEREDITARIA 1; SYMMETRIC DYSCHROMATOSIS OF THE EXTREMITIES. Identifiers: Orphanet 41, MedGen C0406775, MONDO:0007483, OMIM 127400.
Aicardi-Goutieres syndrome 6 (AGS6). Identifiers: Orphanet 51, MedGen C3539013, MONDO:0014007, OMIM 615010.

Allele frequency attached by ClinVar (database versions not stated): gnomAD 0.00003 and 0.00004; TOPMed 0.00001.
gnomAD v4.1: 5 of 1,614,026 alleles (0.00031%); highest among the groups gnomAD compares: African/African-American, 0.0067%; no homozygotes.

Submission:

Labcorp Genetics (formerly Invitae), Labcorp
Classification: Uncertain significance for Aicardi-Goutieres syndrome 6; Symmetrical dyschromatosis of extremities. Last evaluated: 2025-03-23. Review status: criteria provided, single submitter. Criteria: Invitae Variant Classification Sherloc (09022015). Collection method: clinical testing. Allele origin: germline.
Comment: This sequence change replaces methionine, which is neutral and non-polar, with valine, which is neutral and non-polar, at codon 623 of the ADAR protein (p.Met623Val). The frequency data for this variant in the population databases is considered unreliable, as metrics indicate poor data quality at this position in the gnomAD database. This variant has not been reported in the literature in individuals affected with ADAR-related conditions. ClinVar contains an entry for this variant (Variation ID: 1046359). Invitae Evidence Modeling of protein sequence and biophysical properties (such as structural, functional, and spatial information, amino acid conservation, physicochemical variation, residue mobility, and thermodynamic stability) indicates that this missense variant is not expected to disrupt ADAR protein function with a negative predictive value of 80%. In summary, the available evidence is currently insufficient to determine the role of this variant in disease. Therefore, it has been classified as a Variant of Uncertain Significance.

NM_001111.5(ADAR):c.1867A>G (p.Met623Val)

Gene: ADAR (adenosine deaminase RNA specific; minus strand). Cytogenetic location: 1q21.3.
Variant type: single nucleotide variant.
Coding change: c.1867A>G on transcript NM_001111.5 (MANE Select); coding-DNA position 1867, A replaced by G.
Protein change: p.Met623Val; replaces methionine 623 with valine.
Molecular consequence: missense variant.
Genome position (GRCh38, 1-based): chr1:154,597,895, T>C on the plus strand (A>G on the coding strand, the complement: ADAR is on the minus strand). VCF-style: chr1-154597895-T-C. GRCh37 (hg19) VCF-style: chr1-154570371-T-C.
Other names: c.982A>G, p.Met328Val (NM_001025107.3, NM_001193495.2, NM_001365046.1 and 3 more transcripts); c.1894A>G, p.Met632Val (NM_001365045.1); c.1867A>G, p.Met623Val (NM_015840.4, NM_015841.4); short protein forms M632V, M328V, M623V.
Identifiers: ClinVar variation 1046359 (VCV001046359.6), dbSNP rs1481646805, ClinGen allele CA342638734.